The following is an entry in ClinVar:

NM_020810.3(TRMT5):c.134C>T (p.Ala45Val)

Gene: TRMT5 (tRNA methyltransferase 5; minus strand). Cytogenetic location: 14q23.1.
Variant type: single nucleotide variant.
Coding change: c.134C>T on transcript NM_020810.3 (MANE Select); coding-DNA position 134, C replaced by T.
Protein change: p.Ala45Val; replaces alanine 45 with valine.
Molecular consequence: missense variant.
Genome position (GRCh38, 1-based): chr14:60,979,764, G>A on the plus strand (C>T on the coding strand, the complement: TRMT5 is on the minus strand). VCF-style: chr14-60979764-G-A. GRCh37 (hg19) VCF-style: chr14-61446482-G-A.
Other names: c.134C>T (NM_020810.2); c.218C>T, p.Ala73Val (NM_001350253.1); c.215C>T, p.Ala72Val (NM_001350254.1); short protein forms A72V, A73V, A45V.
Identifiers: ClinVar variation 2055110 (VCV002055110.4), dbSNP rs142413701, ClinGen allele CA7213976.
Genomic context (GRCh38, chr14:60,979,764, plus strand): 5'-GTTTCTGTTTCTGGCATGGTTGAGAATCTTTTTCTTTGACCCAATAAGAAAATACCAGGT[G>A]CTTCCAAAAGCATCTGTGTCAGGGATGTCCAAGCTACTGGAATCAACGATTTTGATTCAG-3'
Protein context (NP_065861.3, residues 35-55): WTSLTQMLLE[Ala45Val]PGIFLLGQRK

ClinVar aggregate classification (germline): Uncertain significance. Review status: criteria provided, multiple submitters, no conflicts (2 of 4 stars). 2 submissions from 2 submitters: Uncertain significance (2). Last evaluated 2025-09-10.

Conditions:
Inborn genetic diseases. Identifiers: MedGen C0950123, MeSH D030342.

Allele frequency attached by ClinVar (database versions not stated): gnomAD 0.00007; TOPMed 0.00011; gnomAD exomes 0.00012; ExAC 0.00015; ESP Exome Variant Server 0.00023.
gnomAD v4.1: 182 of 1,613,958 alleles (0.011%); highest among the groups gnomAD compares: Middle Eastern, 0.016%; no homozygotes.

Submissions (2):

Ambry Genetics
Classification: Uncertain significance for Inborn genetic diseases. Last evaluated: 2025-09-10. Review status: criteria provided, single submitter. Criteria: Ambry Variant Classification Scheme 2023. Collection method: clinical testing. Allele origin: germline.

Labcorp Genetics (formerly Invitae), Labcorp
Classification: Uncertain significance. Last evaluated: 2022-08-09. Review status: criteria provided, single submitter. Criteria: Invitae Variant Classification Sherloc (09022015). Collection method: clinical testing. Allele origin: germline.
Comment: This sequence change replaces alanine, which is neutral and non-polar, with valine, which is neutral and non-polar, at codon 45 of the TRMT5 protein (p.Ala45Val). This variant is present in population databases (rs142413701, gnomAD 0.02%). This variant has not been reported in the literature in individuals affected with TRMT5-related conditions. Algorithms developed to predict the effect of missense changes on protein structure and function output the following: SIFT: "Tolerated"; PolyPhen-2: "Benign"; Align-GVGD: "Class C0". The valine amino acid residue is found in multiple mammalian species, which suggests that this missense change does not adversely affect protein function. Algorithms developed to predict the effect of sequence changes on RNA splicing suggest that this variant may create or strengthen a splice site. In summary, the available evidence is currently insufficient to determine the role of this variant in disease. Therefore, it has been classified as a Variant of Uncertain Significance.